The following is an entry in ClinVar:

ClinVar aggregate classification (germline): Uncertain significance (1 of 4 stars; one submission).

Conditions:
Fanconi anemia complementation group O. Also called: RAD51C-Related Fanconi Anemia. Identifiers: Orphanet 84, MedGen C3150653, MONDO:0013248, OMIM 613390.

gnomAD v4.1: 1 of 1,613,506 alleles (0.000062%); highest among the groups gnomAD compares: Non-Finnish European, 0.000085%; no homozygotes.

Submission:

Labcorp Genetics (formerly Invitae), Labcorp
Classification: Uncertain significance for Fanconi anemia complementation group O. Last evaluated: 2025-11-05. Review status: criteria provided, single submitter. Criteria: Invitae Variant Classification Sherloc (09022015). Collection method: clinical testing. Allele origin: germline.
Comment: This sequence change replaces valine, which is neutral and non-polar, with isoleucine, which is neutral and non-polar, at codon 350 of the RAD51C protein (p.Val350Ile). This variant is not present in population databases (gnomAD no frequency). This variant has not been reported in the literature in individuals affected with RAD51C-related conditions. ClinVar contains an entry for this variant (Variation ID: 1035046). An algorithm developed to predict the effect of missense changes on protein structure and function outputs the following: PolyPhen-2: "Benign". The isoleucine amino acid residue is found in multiple mammalian species, which suggests that this missense change does not adversely affect protein function. In summary, the available evidence is currently insufficient to determine the role of this variant in disease. Therefore, it has been classified as a Variant of Uncertain Significance.

NM_058216.3(RAD51C):c.1048G>A (p.Val350Ile)

Gene: RAD51C (RAD51 paralog C; plus strand). Cytogenetic location: 17q22.
Variant type: single nucleotide variant.
Coding change: c.1048G>A on transcript NM_058216.3 (MANE Select); coding-DNA position 1048, G replaced by A.
Protein change: p.Val350Ile; replaces valine 350 with isoleucine.
Molecular consequence: missense variant. On other transcripts: non-coding transcript variant (1).
Genome position (GRCh38, 1-based): chr17:58,734,139, G>A. VCF-style: chr17-58734139-G-A. GRCh37 (hg19) VCF-style: chr17-56811500-G-A.
Other names: short protein forms V350I.
Identifiers: ClinVar variation 1035046 (VCV001035046.8), dbSNP rs1473651696, ClinGen allele CA400366018.